The following is an entry in ClinVar:

NM_004655.4(AXIN2):c.1583A>G (p.Lys528Arg)

Gene: AXIN2 (axin 2; minus strand). Cytogenetic location: 17q24.1.
Variant type: single nucleotide variant.
Coding change: c.1583A>G on transcript NM_004655.4 (MANE Select); coding-DNA position 1583, A replaced by G.
Protein change: p.Lys528Arg; replaces lysine 528 with arginine.
Molecular consequence: missense variant.
Genome position (GRCh38, 1-based): chr17:65,537,453, T>C on the plus strand (A>G on the coding strand, the complement: AXIN2 is on the minus strand). VCF-style: chr17-65537453-T-C. GRCh37 (hg19) VCF-style: chr17-63533571-T-C.
Other names: c.1583A>G (LRG_296t1); c.1583A>G, p.Lys528Arg (NM_001363813.1); short protein forms K528R.
Identifiers: ClinVar variation 239991 (VCV000239991.16), dbSNP rs878854722, ClinGen allele CA10583648.

ClinVar aggregate classification (germline): Conflicting classifications of pathogenicity. Review status: criteria provided, conflicting classifications (1 of 4 stars). 5 submissions from 5 submitters: Uncertain significance (4); Likely benign (1). Last evaluated 2026-01-24.

Conditions:
Hereditary cancer-predisposing syndrome. Also called: Neoplastic Syndromes, Hereditary; Hereditary neoplastic syndrome; Tumor predisposition; Hereditary Cancer Syndrome. Identifiers: Orphanet 140162, MedGen C0027672, MeSH D009386, MONDO:0015356.
Oligodontia-cancer predisposition syndrome. Also called: TOOTH AGENESIS-COLORECTAL CANCER SYNDROME. Identifiers: Orphanet 300576, MedGen C1837750, MONDO:0012075, OMIM 608615. Disease mechanism: loss of function.

Allele frequency attached by ClinVar (database versions not stated): gnomAD exomes 0.00001; TOPMed 0.00001.
gnomAD v4.1: 17 of 1,613,810 alleles (0.0011%); highest among the groups gnomAD compares: Admixed American, 0.005%; no homozygotes.

Submissions (5):

Labcorp Genetics (formerly Invitae), Labcorp
Classification: Uncertain significance for Oligodontia-cancer predisposition syndrome. Last evaluated: 2026-01-24. Review status: criteria provided, single submitter. Criteria: Invitae Variant Classification Sherloc (09022015). Collection method: clinical testing. Allele origin: germline.
Comment: This sequence change replaces lysine, which is basic and polar, with arginine, which is basic and polar, at codon 528 of the AXIN2 protein (p.Lys528Arg). This variant is present in population databases (no rsID available, gnomAD 0.006%). This variant has not been reported in the literature in individuals affected with AXIN2-related conditions. ClinVar contains an entry for this variant (Variation ID: 239991). Invitae Evidence Modeling of protein sequence and biophysical properties (such as structural, functional, and spatial information, amino acid conservation, physicochemical variation, residue mobility, and thermodynamic stability) indicates that this missense variant is not expected to disrupt AXIN2 protein function with a negative predictive value of 80%. In summary, the available evidence is currently insufficient to determine the role of this variant in disease. Therefore, it has been classified as a Variant of Uncertain Significance.

Hereditary Cancer Laboratory, Hospital Universitario 12 de Octubre
Classification: Uncertain significance for Hereditary cancer-predisposing syndrome. Last evaluated: 2024-09-12. Review status: criteria provided, single submitter. Criteria: ACMG Guidelines, 2015. Collection method: clinical testing. Allele origin: germline.
Comment: PM2 + BP4

GeneDx
Classification: Uncertain significance. Last evaluated: 2024-07-05. Review status: criteria provided, single submitter. Criteria: GeneDx Variant Classification Process June 2021. Collection method: clinical testing. Allele origin: germline. Affected: yes.
Comment: Not observed at significant frequency in large population cohorts (gnomAD); In silico analysis indicates that this missense variant does not alter protein structure/function; Has not been previously published as pathogenic or benign to our knowledge

Ambry Genetics
Classification: Likely benign for Hereditary cancer-predisposing syndrome. Last evaluated: 2024-01-05. Review status: criteria provided, single submitter. Criteria: Ambry Variant Classification Scheme 2023. Collection method: clinical testing. Allele origin: germline.

Quest Diagnostics Nichols Institute San Juan Capistrano
Classification: Uncertain significance. Last evaluated: 2023-02-10. Review status: criteria provided, single submitter. Criteria: Quest Diagnostics criteria. Collection method: clinical testing. Allele origin: unknown.
Comment: To the best of our knowledge, the variant has not been reported in the published literature. The frequency of this variant in the general population, 0.000012 (3/251444 chromosomes), is uninformative in assessment of its pathogenicity.. Analysis of this variant using bioinformatics tools for the prediction of the effect of amino acid changes on protein structure and function yielded predictions that this variant is benign. Based on the available information, we are unable to determine the clinical significance of this variant.